The following is an entry in ClinVar:

ClinVar aggregate classification (germline): Uncertain significance. Review status: criteria provided, multiple submitters, no conflicts (2 of 4 stars). 2 submissions from 2 submitters: Uncertain significance (2). Last evaluated 2025-10-23.

Conditions:
Hereditary cancer-predisposing syndrome. Also called: Tumor predisposition; Hereditary neoplastic syndrome; Neoplastic Syndromes, Hereditary; Hereditary Cancer Syndrome. Identifiers: Orphanet 140162, MedGen C0027672, MeSH D009386, MONDO:0015356.
Familial pancreatic carcinoma. Identifiers: Orphanet 1333, MedGen C2931038, MONDO:0015278, OMIM 260350.
Peutz-Jeghers syndrome (PJS). Also called: Peutz-Jeghers polyposis; Periorificial lentiginosis syndrome; POLYPOSIS, HAMARTOMATOUS INTESTINAL; POLYPS-AND-SPOTS SYNDROME. Identifiers: Orphanet 2869, MedGen C0031269, MeSH D010580, MONDO:0008280, OMIM 175200.
Germ cell tumor of testis (TGCT). Also called: GERM CELL TUMOR, SOMATIC; Testicular germ cell tumor. Identifiers: Orphanet 363504, MedGen C1336708, MONDO:0010108, OMIM 273300.
Melanoma, cutaneous malignant, susceptibility to, 1 (CMM1). Also called: B-K MOLE SYNDROME; MELANOMA, MALIGNANT; DYSPLASTIC NEVUS SYNDROME, HEREDITARY; FAMILIAL ATYPICAL MOLE-MALIGNANT MELANOMA SYNDROME. Identifiers: Orphanet 618, MedGen C1835047, MONDO:0007963, OMIM 155600.

Submissions (2):

Ambry Genetics
Classification: Uncertain significance for Hereditary cancer-predisposing syndrome. Last evaluated: 2025-10-23. Review status: criteria provided, single submitter. Criteria: Ambry Variant Classification Scheme 2023. Collection method: clinical testing. Allele origin: germline.
Comment: The p.E375K variant (also known as c.1123G>A), located in coding exon 9 of the STK11 gene, results from a G to A substitution at nucleotide position 1123. The glutamic acid at codon 375 is replaced by lysine, an amino acid with similar properties. This amino acid position is well conserved in available vertebrate species. In addition, this alteration is predicted to be tolerated by in silico analysis. Since supporting evidence is limited at this time, the clinical significance of this alteration remains unclear.

Department of Pathology and Laboratory Medicine, Sinai Health System
Classification: Uncertain significance for Melanoma, cutaneous malignant, susceptibility to, 1; Peutz-Jeghers syndrome; Familial pancreatic carcinoma; Germ cell tumor of testis. Last evaluated: 2025-01-10. Review status: criteria provided, single submitter. Criteria: ACMG Guidelines, 2015. Collection method: clinical testing. Allele origin: germline.

NM_000455.5(STK11):c.1123G>A (p.Glu375Lys)

Gene: STK11 (serine/threonine kinase 11; plus strand). Cytogenetic location: 19p13.3.
Variant type: single nucleotide variant.
Coding change: c.1123G>A on transcript NM_000455.5 (MANE Select); coding-DNA position 1123, G replaced by A.
Protein change: p.Glu375Lys; replaces glutamic acid 375 with lysine.
Molecular consequence: missense variant. On other transcripts: non-coding transcript variant (1).
Genome position (GRCh38, 1-based): chr19:1,226,468, G>A. VCF-style: chr19-1226468-G-A. GRCh37 (hg19) VCF-style: chr19-1226467-G-A.
Other names: short protein forms E375K.
Identifiers: ClinVar variation 2561031 (VCV002561031.4), dbSNP rs2080821619, ClinGen allele CA402953192.